The following is an entry in ClinVar:

NM_024301.5(FKRP):c.1123T>A (p.Cys375Ser)

Gene: FKRP (fukutin related protein; plus strand). Cytogenetic location: 19q13.32.
Variant type: single nucleotide variant.
Coding change: c.1123T>A on transcript NM_024301.5 (MANE Select); coding-DNA position 1123, T replaced by A.
Protein change: p.Cys375Ser; replaces cysteine 375 with serine.
Molecular consequence: missense variant.
Genome position (GRCh38, 1-based): chr19:46,756,573, T>A. VCF-style: chr19-46756573-T-A. GRCh37 (hg19) VCF-style: chr19-47259830-T-A.
Other names: c.1123T>A, p.Cys375Ser (NM_001039885.3); short protein forms C375S.
Identifiers: ClinVar variation 1519039 (VCV001519039.4), dbSNP rs763940706, ClinGen allele CA9532247.

ClinVar aggregate classification (germline): Uncertain significance. Review status: criteria provided, multiple submitters, no conflicts (2 of 4 stars). 2 submissions from 2 submitters: Uncertain significance (2). Last evaluated 2022-08-22.

Conditions:
Walker-Warburg congenital muscular dystrophy. Also called: Walker-Warburg syndrome; Muscular dystrophy-dystroglycanopathy, type A. Identifiers: Orphanet 899, MedGen C0265221, MONDO:0000171.
Muscular dystrophy-dystroglycanopathy (congenital with brain and eye anomalies), type A5. Also called: WALKER-WARBURG SYNDROME OR MUSCLE-EYE-BRAIN DISEASE, FKRP-RELATED; MUSCULAR DYSTROPHY-DYSTROGLYCANOPATHY (CONGENITAL WITH BRAIN AND EYE ANOMALIES), TYPE A, 5. Identifiers: Orphanet 588, Orphanet 899, MedGen C3150413, MONDO:0013157, OMIM 613153.
Muscular dystrophy-dystroglycanopathy type B5 (MDDGB5). Also called: MUSCULAR DYSTROPHY, CONGENITAL, 1C; MUSCULAR DYSTROPHY, CONGENITAL, FKRP-RELATED; MUSCULAR DYSTROPHY-DYSTROGLYCANOPATHY (CONGENITAL WITH OR WITHOUT IMPAIRED INTELLECTUAL DEVELOPMENT), TYPE B, 5. Identifiers: MedGen C1847759, MONDO:0011688, OMIM 606612.
Autosomal recessive limb-girdle muscular dystrophy type 2I. Also called: MUSCULAR DYSTROPHY-DYSTROGLYCANOPATHY, LIMB-GIRDLE, FRKP-RELATED; MUSCULAR DYSTROPHY, LIMB-GIRDLE, TYPE 2I; MUSCULAR DYSTROPHY-DYSTROGLYCANOPATHY (LIMB-GIRDLE), TYPE C, 5. Identifiers: Orphanet 34515, MedGen C1846672, MONDO:0011787, OMIM 607155.
Muscular dystrophy-dystroglycanopathy (congenital with brain and eye anomalies), type A1 (MDDGA1). Also called: WALKER-WARBURG SYNDROME OR MUSCLE-EYE-BRAIN DISEASE, POMT1-RELATED; Hydrocephalus, agyria and retinal dysplasia; Hard +/- E syndrome; Warburg syndrome; Chemke syndrome; Pagon syndrome. Identifiers: Orphanet 588, Orphanet 899, MedGen C4284790, MONDO:0009364, OMIM 236670.

Allele frequency attached by ClinVar (database versions not stated): gnomAD exomes below 0.00001 and 0.00001; ExAC 0.00001.
gnomAD v4.1: 13 of 1,608,952 alleles (0.00081%); highest among the groups gnomAD compares: Non-Finnish European, 0.001%; no homozygotes.

Submissions (2):

Labcorp Genetics (formerly Invitae), Labcorp
Classification: Uncertain significance for Walker-Warburg congenital muscular dystrophy. Last evaluated: 2022-08-22. Review status: criteria provided, single submitter. Criteria: Invitae Variant Classification Sherloc (09022015). Collection method: clinical testing. Allele origin: germline.
Comment: This sequence change replaces cysteine, which is neutral and slightly polar, with serine, which is neutral and polar, at codon 375 of the FKRP protein (p.Cys375Ser). This variant is present in population databases (rs763940706, gnomAD 0.0009%). This variant has not been reported in the literature in individuals affected with FKRP-related conditions. ClinVar contains an entry for this variant (Variation ID: 1519039). Algorithms developed to predict the effect of missense changes on protein structure and function are either unavailable or do not agree on the potential impact of this missense change (SIFT: "Tolerated"; PolyPhen-2: "Probably Damaging"; Align-GVGD: "Class C0"). Experimental studies have shown that this missense change affects FKRP function (PMID: 21886772). In summary, the available evidence is currently insufficient to determine the role of this variant in disease. Therefore, it has been classified as a Variant of Uncertain Significance.

Fulgent Genetics
Classification: Uncertain significance for Muscular dystrophy-dystroglycanopathy (congenital with brain and eye anomalies), type A1; Muscular dystrophy-dystroglycanopathy type B5; Autosomal recessive limb-girdle muscular dystrophy type 2I; Muscular dystrophy-dystroglycanopathy (congenital with brain and eye anomalies), type A5. Last evaluated: 2022-01-18. Review status: criteria provided, single submitter. Criteria: ACMG Guidelines, 2015. Collection method: clinical testing. Allele origin: unknown.

Literature cited by the submitters: PubMed 21886772 (cited by Labcorp Genetics (formerly Invitae), Labcorp).